The following is an entry in ClinVar:

ClinVar aggregate classification (germline): Likely pathogenic (1 of 4 stars; one submission).

Conditions:
Hereditary breast ovarian cancer syndrome. Also called: BRCA1- and BRCA2-Associated Hereditary Breast and Ovarian Cancer; Hereditary breast and ovarian cancer; Hereditary breast and ovarian cancer syndrome (HBOC); Hereditary breast and/or ovarian cancer syndrome; Hereditary breast and ovarian cancer syndrome; Breast and ovarian cancer. Identifiers: Orphanet 145, MedGen C0677776, MeSH D061325, MONDO:0003582. Disease mechanism: loss of function.

Submission:

Genetics and Personalized Medicine Clinic, Tartu University Hospital
Classification: Likely pathogenic for Hereditary breast ovarian cancer syndrome. Last evaluated: 2018-01-01. Review status: criteria provided, single submitter. Criteria: ACMG Guidelines, 2015. Collection method: clinical testing. Allele origin: germline. Affected: yes. Observed: 2 variant alleles.
Comment: This duplication causes a frameshift p.(Thr637Serfs*3), predicted to result in premature truncation. BRCA1 is a well-established tumor suppressor gene where loss-of-function is a known disease mechanism (PVS1). The variant is absent from population databases (PM2_Supporting) and has been observed in two individuals with breast cancer, one with bilateral disease.

NM_007294.4(BRCA1):c.1879_1909dup (p.Thr637delinsSerGlnTer)

Gene: BRCA1 (BRCA1 DNA repair associated; minus strand). Cytogenetic location: 17q21.31.
Variant type: Duplication.
Coding change: c.1879_1909dup on transcript NM_007294.4 (MANE Select); coding-DNA positions 1879 to 1909, 31 bases duplicated.
Protein change: p.Thr637delinsSerGlnTer.
Molecular consequence: nonsense. On other transcripts: intron variant (137).
Genome position (GRCh38, 1-based): chr17:43,093,622-43,093,652, 31 bases duplicated; duplicating any 31 consecutive bases within chr17:43,093,622-43,093,655 gives the same sequence; the c. name uses the placement nearest the transcript's 3' end. GRCh37 (hg19): chr17:41,245,642-41,245,672.
Other names: c.1666_1696dup, p.Thr566delinsSerGlnTer (NM_001407571.1, NM_001407915.1, NM_001407916.1 and 9 more transcripts); c.1879_1909dup, p.Thr637delinsSerGlnTer (NM_001407581.1, NM_001407582.1, NM_001407583.1 and 30 more transcripts); c.1876_1906dup, p.Thr636delinsSerGlnTer (NM_001407587.1, NM_001407590.1, NM_001407591.1 and 22 more transcripts); c.670+2194_670+2224dup (NM_001408423.1, NM_001408420.1, NM_001408418.1 and 2 more transcripts); c.787+1092_787+1122dup (NM_001408404.1, NM_001408472.1, NM_001407990.1 and 19 more transcripts); c.523+1092_523+1122dup (NM_001408501.1, NM_001408500.1, NM_001408498.1 and 3 more transcripts); c.646+1092_646+1122dup (NM_001408455.1, NM_001408466.1, NM_001408452.1 and 11 more transcripts); c.577+1092_577+1122dup (NM_001408513.1, NM_001408492.1, NM_001408514.1 and 9 more transcripts); and 40 more.
Identifiers: ClinVar variation 4082385 (VCV004082385.1).
Genomic context (GRCh38, chr17:43,093,621, plus strand): 5'-TGGTTGTACTTTTTTTTCTTTATCTCTTCACTGCTAGAACAACTATCAATTTGCAATTCA[G>GTACAATTAGGTGGGCTTAGATTTCTACTGAC]TACAATTAGGTGGGCTTAGATTTCTACTGACTACTAGTTCAAGCGCATGAATATGCCTGG-3'